The following is an entry in ClinVar:

NM_000051.4(ATM):c.684_687delinsCCT (p.Asn230fs)

Gene: ATM (ATM serine/threonine kinase; plus strand). Cytogenetic location: 11q22.3.
Variant type: Indel.
Coding change: c.684_687delinsCCT on transcript NM_000051.4 (MANE Select); coding-DNA positions 684 to 687, TCTA replaced by CCT.
Protein change: p.Asn230fs; shifts the reading frame from asparagine 230.
Molecular consequence: frameshift variant.
Genome position (GRCh38, 1-based): chr11:108,244,809-108,244,812, TCTA replaced by CCT. VCF-style: chr11-108244809-TCTA-CCT. GRCh37 (hg19) VCF-style: chr11-108115536-TCTA-CCT.
Other names: c.684_687delTCTAinsCCT (NM_000051.3); c.684_687delinsCCT, p.Asn230fs (NM_001351834.2); short protein forms N230fs.
Identifiers: ClinVar variation 1332562 (VCV001332562.5), dbSNP rs2135237416, ClinGen allele CA2573053395.

ClinVar aggregate classification (germline): Pathogenic. Review status: criteria provided, multiple submitters, no conflicts (2 of 4 stars). 3 submissions from 3 submitters: Pathogenic (3). Last evaluated 2025-02-03.

Conditions:
Hereditary cancer-predisposing syndrome. Also called: Tumor predisposition; Hereditary Cancer Syndrome; Neoplastic Syndromes, Hereditary; Hereditary neoplastic syndrome. Identifiers: Orphanet 140162, MedGen C0027672, MeSH D009386, MONDO:0015356.
Familial cancer of breast. Also called: BREAST CANCER, FAMILIAL; hereditary breast carcinoma; Hereditary breast cancer. Identifiers: Orphanet 227535, MedGen C0346153, MONDO:0016419, OMIM 114480. Disease mechanism: loss of function.

Submissions (3):

Color Diagnostics, LLC DBA Color Health
Classification: Pathogenic for Hereditary cancer-predisposing syndrome. Last evaluated: 2025-02-03. Review status: criteria provided, single submitter. Criteria: ACMG Guidelines, 2015. Collection method: clinical testing. Allele origin: germline.
Comment: This variant replaces 4 nucleotides in exon 13 of the ATM gene with 3 new nucleotides, creating a frameshift and premature translation stop signal. This variant is expected to result in an absent or non-functional protein product. A variant with a similar impact, c.687delA, has been reported in an individual affected with familial breast cancer with three or more affected family members, including at least two diagnosed with breast cancer before age 50 years (PMID: 12810666). This variant has not been identified in the general population by the Genome Aggregation Database (gnomAD). Loss of ATM function is a known mechanism of disease. Based on the available evidence, this variant is classified as Pathogenic.

Ambry Genetics
Classification: Pathogenic for Hereditary cancer-predisposing syndrome. Last evaluated: 2024-11-25. Review status: criteria provided, single submitter. Criteria: Ambry Variant Classification Scheme 2023. Collection method: clinical testing. Allele origin: germline.
Comment: The c.684_687delTCTAinsCCT pathogenic mutation, located in coding exon 6 of the ATM gene, results from the deletion of 4 nucleotides and insertion of 3 nucleotides causing a translational frameshift with a predicted alternate stop codon (p.N230Ifs*4). This variant is considered to be rare based on population cohorts in the Genome Aggregation Database (gnomAD). This alteration is expected to result in loss of function by premature protein truncation or nonsense-mediated mRNA decay. As such, this alteration is interpreted as a disease-causing mutation.

Myriad Genetics, Inc.
Classification: Pathogenic for Familial cancer of breast. Last evaluated: 2024-01-09. Review status: criteria provided, single submitter. Criteria: Myriad Autosomal Dominant, Autosomal Recessive and X-Linked Classification Criteria (2023). Collection method: clinical testing. Allele origin: unknown.
Comment: This variant is considered pathogenic. This variant creates a frameshift predicted to result in premature protein truncation.

Literature cited by the submitters: PubMed 12810666 (cited by Color Diagnostics, LLC DBA Color Health).